The following is an entry in ClinVar:

NM_017649.5(CNNM2):c.604G>T (p.Ala202Ser)

Gene: CNNM2 (cyclin and CBS domain divalent metal cation transport mediator 2; plus strand). Cytogenetic location: 10q24.32.
Variant type: single nucleotide variant.
Coding change: c.604G>T on transcript NM_017649.5 (MANE Select); coding-DNA position 604, G replaced by T.
Protein change: p.Ala202Ser; replaces alanine 202 with serine.
Molecular consequence: missense variant.
Genome position (GRCh38, 1-based): chr10:102,919,084, G>T. VCF-style: chr10-102919084-G-T. GRCh37 (hg19) VCF-style: chr10-104678841-G-T.
Other names: c.604G>T, p.Ala202Ser (NM_199076.3, NM_199077.3); short protein forms A202S.
Identifiers: ClinVar variation 3654307 (VCV003654307.2).

ClinVar aggregate classification (germline): Uncertain significance (1 of 4 stars; one submission).

Submission:

Labcorp Genetics (formerly Invitae), Labcorp
Classification: Uncertain significance. Last evaluated: 2025-05-19. Review status: criteria provided, single submitter. Criteria: Invitae Variant Classification Sherloc (09022015). Collection method: clinical testing. Allele origin: germline.
Comment: This sequence change replaces alanine, which is neutral and non-polar, with serine, which is neutral and polar, at codon 202 of the CNNM2 protein (p.Ala202Ser). This variant is not present in population databases (gnomAD no frequency). This variant has not been reported in the literature in individuals affected with CNNM2-related conditions. ClinVar contains an entry for this variant (Variation ID: 3654307). An algorithm developed to predict the effect of missense changes on protein structure and function (PolyPhen-2) suggests that this variant is likely to be tolerated. In summary, the available evidence is currently insufficient to determine the role of this variant in disease. Therefore, it has been classified as a Variant of Uncertain Significance.